The following is an entry in ClinVar:

NM_000548.5(TSC2):c.4998C>A (p.Phe1666Leu)

Gene: TSC2 (TSC complex subunit 2; plus strand). Cytogenetic location: 16p13.3.
Variant type: single nucleotide variant.
Coding change: c.4998C>A on transcript NM_000548.5 (MANE Select); coding-DNA position 4998, C replaced by A.
Protein change: p.Phe1666Leu; replaces phenylalanine 1666 with leucine.
Molecular consequence: missense variant.
Genome position (GRCh38, 1-based): chr16:2,087,871, C>A. VCF-style: chr16-2087871-C-A. GRCh37 (hg19) VCF-style: chr16-2137872-C-A.
Other names: p.F1666L:TTC>TTA; c.4797C>A, p.Phe1599Leu (NM_001077183.3); c.4929C>A, p.Phe1643Leu (NM_001114382.3); c.4689C>A, p.Phe1563Leu (NM_001318827.2); c.4653C>A, p.Phe1551Leu (NM_001318829.2); c.4266C>A, p.Phe1422Leu (NM_001318831.2); c.4830C>A, p.Phe1610Leu (NM_001318832.2); c.4800C>A, p.Phe1600Leu (NM_001363528.2); and 2 more; short protein forms F1666L, F1599L, F1622L, F1623L, F1600L, F1422L, F1551L, F1643L.
Identifiers: ClinVar variation 207690 (VCV000207690.26), dbSNP rs757221445, ClinGen allele CA053452.

ClinVar aggregate classification (germline): Conflicting classifications of pathogenicity. Review status: criteria provided, conflicting classifications (1 of 4 stars). 8 submissions from 8 submitters: Uncertain significance (6); Likely benign (2). Last evaluated 2025-10-02.

Conditions:
Lymphangiomyomatosis (LAM). Also called: Lymphangioleiomyomatosis; Lymphangioleiomyomatosis, somatic. Identifiers: Orphanet 538, MedGen C0751674, MONDO:0011705, OMIM 606690.
Isolated focal cortical dysplasia type II (FCORD2). Also called: CORTICAL DYSPLASIA OF TAYLOR; Focal cortical dysplasia type II. Identifiers: Orphanet 268994, MedGen C1846385, MONDO:0011818, OMIM 607341, HP:0032051.
Tuberous sclerosis 2 (TSC2). Identifiers: Orphanet 805, MedGen C1860707, MONDO:0013199, OMIM 613254.
Hereditary cancer-predisposing syndrome. Also called: Neoplastic Syndromes, Hereditary; Hereditary Cancer Syndrome; Tumor predisposition; Hereditary neoplastic syndrome. Identifiers: Orphanet 140162, MedGen C0027672, MeSH D009386, MONDO:0015356.
Tuberous sclerosis syndrome (TSC). Also called: Tuberous Sclerosis Complex; Tuberous sclerosis. Identifiers: Orphanet 805, MedGen C0041341, MONDO:0001734.

Allele frequency attached by ClinVar (database versions not stated): TOPMed below 0.00001; ExAC 0.00001; gnomAD 0.00001; gnomAD exomes 0.00001.
gnomAD v4.1: 7 of 1,612,304 alleles (0.00043%); highest among the groups gnomAD compares: Non-Finnish European, 0.000085%; no homozygotes.

Submissions (8):

Labcorp Genetics (formerly Invitae), Labcorp
Classification: Likely benign for Tuberous sclerosis 2. Last evaluated: 2025-10-02. Review status: criteria provided, single submitter. Criteria: Invitae Variant Classification Sherloc (09022015). Collection method: clinical testing. Allele origin: germline.

Color Diagnostics, LLC DBA Color Health
Classification: Uncertain significance for Tuberous sclerosis syndrome. Last evaluated: 2025-09-11. Review status: criteria provided, single submitter. Criteria: ACMG Guidelines, 2015. Collection method: clinical testing. Allele origin: germline.
Comment: This missense variant replaces phenylalanine with leucine at codon 1666 of the TSC2 protein. Computational prediction suggests that this variant may have deleterious impact on protein structure and function. To our knowledge, functional studies have not been reported for this variant. This variant has not been reported in individuals affected with TSC2-related disorders in the literature. This variant has been identified in 3/280940 chromosomes in the general population by the Genome Aggregation Database (gnomAD). The available evidence is insufficient to determine the role of this variant in disease conclusively. Therefore, this variant is classified as a Variant of Uncertain Significance.

Ambry Genetics
Classification: Uncertain significance for Hereditary cancer-predisposing syndrome. Last evaluated: 2025-04-16. Review status: criteria provided, single submitter. Criteria: Ambry Variant Classification Scheme 2023. Collection method: clinical testing. Allele origin: germline.
Comment: The p.F1666L variant (also known as c.4998C>A), located in coding exon 38 of the TSC2 gene, results from a C to A substitution at nucleotide position 4998. The phenylalanine at codon 1666 is replaced by leucine, an amino acid with highly similar properties. This amino acid position is highly conserved in available vertebrate species. In addition, this alteration is predicted to be deleterious by in silico analysis. Based on the available evidence, the clinical significance of this variant remains unclear.

All of Us Research Program, National Institutes of Health
Classification: Uncertain significance for Tuberous sclerosis syndrome. Last evaluated: 2024-06-09. Review status: criteria provided, single submitter. Criteria: ACMG Guidelines, 2015. Collection method: clinical testing. Allele origin: germline. Inheritance: Autosomal dominant inheritance. Observed: 3 variant alleles, 3 heterozygotes.
Comment: This missense variant replaces phenylalanine with leucine at codon 1666 of the TSC2 protein. Computational prediction suggests that this variant may have deleterious impact on protein structure and function (internally defined REVEL score threshold >= 0.7, PMID: 27666373). To our knowledge, functional studies have not been reported for this variant. This variant has not been reported in individuals affected with TSC2-related disorders in the literature. This variant has been identified in 3/280940 chromosomes in the general population by the Genome Aggregation Database (gnomAD). The available evidence is insufficient to determine the role of this variant in disease conclusively. Therefore, this variant is classified as a Variant of Uncertain Significance.

This study involves interpretation of variants in research participants for the purpose of population health screening. Participant phenotype was not available at the time of variant classification. Additional details can be found in publication PMID: 35346344, PMCID: PMC8962531

Fulgent Genetics
Classification: Uncertain significance for Lymphangiomyomatosis; Isolated focal cortical dysplasia type II; Tuberous sclerosis 2. Last evaluated: 2024-02-12. Review status: criteria provided, single submitter. Criteria: ACMG Guidelines, 2015. Collection method: clinical testing. Allele origin: germline.

Sema4
Classification: Uncertain significance for Hereditary cancer-predisposing syndrome. Last evaluated: 2022-01-12. Review status: criteria provided, single submitter. Criteria: Sema4 Curation Guidelines. Collection method: curation. Allele origin: germline.
Comment: The TSC2 c.4998C>A (p.F1666L) variant has not been reported in the literature to our knowledge. It was observed in 3/10278 chromosomes of the Ashkenazi Jewish subpopulation in the large and broad cohorts of the Genome Aggregation Database (PMID: 32461654). This variant has been reported in ClinVar (Variation ID: 207690). In silico tools suggest the impact of the variant on protein function is deleterious, though these predictions have not been confirmed by functional studies.The evidence is insufficient to meet ACMG/AMP criteria for classifying the variant as benign or pathogenic. Thus, the clinical significance of this variant is currently uncertain.

Genome-Nilou Lab
Classification: Likely benign for Tuberous sclerosis 2. Last evaluated: 2021-11-07. Review status: criteria provided, single submitter. Criteria: ACMG Guidelines, 2015. Collection method: clinical testing. Allele origin: germline. Affected: no.

GeneDx
Classification: Uncertain significance. Last evaluated: 2020-03-05. Review status: criteria provided, single submitter. Criteria: GeneDx Variant Classification Process June 2021. Collection method: clinical testing. Allele origin: germline. Affected: yes.
Comment: In silico analysis supports that this missense variant has a deleterious effect on protein structure/function; Has not been previously published as pathogenic or benign to our knowledge